The following is an entry in ClinVar:

NM_001673.5(ASNS):c.647A>G (p.Tyr216Cys)

Genes: ASNS (asparagine synthetase (glutamine-hydrolyzing); minus strand), CZ1P-ASNS (CZ1P-ASNS readthrough; minus strand). Cytogenetic location: 7q21.3.
Variant type: single nucleotide variant.
Coding change: c.647A>G on transcript NM_001673.5 (MANE Select); coding-DNA position 647, A replaced by G.
Protein change: p.Tyr216Cys; replaces tyrosine 216 with cysteine.
Molecular consequence: missense variant. On other transcripts: non-coding transcript variant (1).
Genome position (GRCh38, 1-based): chr7:97,859,239, T>C on the plus strand (A>G on the coding strand, the complement: ASNS is on the minus strand). VCF-style: chr7-97859239-T-C. GRCh37 (hg19) VCF-style: chr7-97488551-T-C.
Other names: c.584A>G, p.Tyr195Cys (NM_001178075.2); c.398A>G, p.Tyr133Cys (NM_001178076.2, NM_001178077.1); c.647A>G, p.Tyr216Cys (NM_001352496.2, NM_133436.3, NM_183356.4); short protein forms Y195C, Y133C, Y216C.
Identifiers: ClinVar variation 1415842 (VCV001415842.6), dbSNP rs749132326, ClinGen allele CA4354731.

ClinVar aggregate classification (germline): Uncertain significance. Review status: criteria provided, multiple submitters, no conflicts (2 of 4 stars). 2 submissions from 2 submitters: Uncertain significance (2). Last evaluated 2024-05-08.

Conditions:
Inborn genetic diseases. Identifiers: MedGen C0950123, MeSH D030342.

Allele frequency attached by ClinVar (database versions not stated): ExAC 0.00002; gnomAD exomes 0.00003 and 0.00004; gnomAD 0.00005; TOPMed 0.00006.
gnomAD v4.1: 59 of 1,613,444 alleles (0.0037%); highest among the groups gnomAD compares: Admixed American, 0.0083%; no homozygotes.

Submissions (2):

Ambry Genetics
Classification: Uncertain significance for Inborn genetic diseases. Last evaluated: 2024-05-08. Review status: criteria provided, single submitter. Criteria: Ambry Variant Classification Scheme 2023. Collection method: clinical testing. Allele origin: germline.

Labcorp Genetics (formerly Invitae), Labcorp
Classification: Uncertain significance. Last evaluated: 2022-03-27. Review status: criteria provided, single submitter. Criteria: Invitae Variant Classification Sherloc (09022015). Collection method: clinical testing. Allele origin: germline.
Comment: This sequence change replaces tyrosine, which is neutral and polar, with cysteine, which is neutral and slightly polar, at codon 216 of the ASNS protein (p.Tyr216Cys). This variant is present in population databases (rs749132326, gnomAD 0.01%). This variant has not been reported in the literature in individuals affected with ASNS-related conditions. Advanced modeling of protein sequence and biophysical properties (such as structural, functional, and spatial information, amino acid conservation, physicochemical variation, residue mobility, and thermodynamic stability) performed at Invitae indicates that this missense variant is expected to disrupt ASNS protein function. In summary, the available evidence is currently insufficient to determine the role of this variant in disease. Therefore, it has been classified as a Variant of Uncertain Significance.